The following is an entry in ClinVar:

ClinVar aggregate classification (germline): Pathogenic. Review status: no assertion criteria provided (0 of 4 stars). 2 submissions from 2 submitters: Pathogenic (2).

Conditions:
Ehlers-Danlos syndrome, type 4 (EDSVASC). Also called: Ehlers-Danlos syndrome vascular type; Ehlers Danlos syndrome, ecchymotic type; Ehlers Danlos syndrome, arterial type; Ehlers Danlos syndrome, Sack-Barabas type; Ehlers-Danlos Syndrome Type IV. Identifiers: Orphanet 286, MedGen C0268338, MONDO:0017314, OMIM 130050.

Submissions (2):

Collagen Diagnostic Laboratory, University of Washington
Classification: Pathogenic for Ehlers-Danlos syndrome, type 4. Review status: no assertion criteria provided. Collection method: clinical testing. Allele origin: germline. Affected: yes.

Human Molecular Lab, Hazara University
Classification: Pathogenic for Ehlers-Danlos syndrome, type 4. Review status: no assertion criteria provided. Collection method: research. Allele origin: inherited. Inheritance: Autosomal recessive inheritance. Affected: yes. Observed: 1 variant allele, 1 homozygote.
Comment: COL3A1 NM_000090.3:c.1194+1G>A is a canonical splice donor site variant predicted to disrupt normal RNA splicing. This variant occurs at the highly conserved +1 position, and is expected to result in aberrant splicing, likely leading to a disrupted or absent protein product via nonsense-mediated decay or exon skipping (PVS1 – very strong). The variant has been identified in multiple individuals with vascular Ehlers-Danlos syndrome (vEDS), a phenotype highly specific to pathogenic COL3A1 variants. This variant has also been shown to segregate with disease in affected family members.

NM_000090.4(COL3A1):c.1194+1G>A

Gene: COL3A1 (collagen type III alpha 1 chain; plus strand). Cytogenetic location: 2q32.2.
Variant type: single nucleotide variant.
Coding change: c.1194+1G>A on transcript NM_000090.4 (MANE Select); the canonical splice donor site of the intron after coding-DNA position 1194, G replaced by A.
Molecular consequence: splice donor variant.
Genome position (GRCh38, 1-based): chr2:188,994,083, G>A. VCF-style: chr2-188994083-G-A. GRCh37 (hg19) VCF-style: chr2-189858809-G-A.
Identifiers: ClinVar variation 101293 (VCV000101293.3), dbSNP rs587779459, ClinGen allele CA004113.
Genomic context (GRCh38, chr2:188,994,083, plus strand): 5'-TTTTTGTATACTTAGGGCCCTCCTGGGATTAATGGTAGTCCTGGTGGTAAAGGCGAAATG[G>A]TAAGCTGTCCCCACTCCTCAGCCTTATCTCATCCACACATTACTGGCTTCTTTTGCATTT-3'